The following is an entry in ClinVar:

NM_015046.7(SETX):c.3650C>T (p.Thr1217Met)

Gene: SETX (senataxin; minus strand). Cytogenetic location: 9q34.13.
Variant type: single nucleotide variant.
Coding change: c.3650C>T on transcript NM_015046.7 (MANE Select); coding-DNA position 3650, C replaced by T.
Protein change: p.Thr1217Met; replaces threonine 1217 with methionine.
Molecular consequence: missense variant.
Genome position (GRCh38, 1-based): chr9:132,327,948, G>A on the plus strand (C>T on the coding strand, the complement: SETX is on the minus strand). VCF-style: chr9-132327948-G-A. GRCh37 (hg19) VCF-style: chr9-135203335-G-A.
Other names: c.3650C>T, p.Thr1217Met (NM_001351527.2, NM_001351528.2); short protein forms T1217M.
Identifiers: ClinVar variation 641058 (VCV000641058.13), dbSNP rs140892948, ClinGen allele CA5297357.
Genomic context (GRCh38, chr9:132,327,948, plus strand): 5'-GGAACTTTCCTGATGGGTTCTGTACAAGTACAAAGCTTTGAAGACTTCTTTTGTGAAACC[G>A]TAGTGGCTCTCTGAATACGTGAATTGGGAGTTGAAGTCCTTCTATCAATACTTTTAAAAT-3'
Protein context (NP_055861.3, residues 1207-1227): TPNSRIQRAT[Thr1217Met]VSQKKSSKLC

ClinVar aggregate classification (germline): Conflicting classifications of pathogenicity. Review status: criteria provided, conflicting classifications (1 of 4 stars). 3 submissions from 3 submitters: Uncertain significance (2); Benign (1). Last evaluated 2025-04-01.

Conditions:
Spinocerebellar ataxia, autosomal recessive, with axonal neuropathy 2 (SCAN2). Also called: ATAXIA-OCULOMOTOR APRAXIA 2; Ataxia with Oculomotor Apraxia Type 2; Ataxia with Oculomotor Apraxia; Ataxia-ocular apraxia-2. Identifiers: Orphanet 64753, MedGen C1853761, MONDO:0018996, OMIM 606002.
Amyotrophic lateral sclerosis type 4 (ALS4). Also called: AMYOTROPHIC LATERAL SCLEROSIS 4, JUVENILE; NEURONOPATHY, DISTAL HEREDITARY MOTOR, WITH PYRAMIDAL FEATURES. Identifiers: Orphanet 357043, MedGen C1865409, MONDO:0011223, OMIM 602433.
SETX-related disorder. Also called: SETX-related condition; SETX-related disorders. Identifiers: MedGen CN239403.
Inborn genetic diseases. Identifiers: MedGen C0950123, MeSH D030342.

Allele frequency attached by ClinVar (database versions not stated): gnomAD exomes 0.00001 and 0.00004; ExAC 0.00003; gnomAD 0.00010 and 0.00012; TOPMed 0.00011; 1000 Genomes Project 30x 0.00016; 1000 Genomes Project 0.00020; ESP Exome Variant Server 0.00023.
gnomAD v4.1: 33 of 1,614,022 alleles (0.002%); highest among the groups gnomAD compares: African/African-American, 0.031%; no homozygotes.

Submissions (3):

Ambry Genetics
Classification: Uncertain significance for Inborn genetic diseases. Last evaluated: 2025-04-01. Review status: criteria provided, single submitter. Criteria: Ambry Variant Classification Scheme 2023. Collection method: clinical testing. Allele origin: germline.

PreventionGenetics, part of Exact Sciences
Classification: Uncertain significance for SETX-related condition. Last evaluated: 2024-11-28. Review status: criteria provided, single submitter. Criteria: ACMG Guidelines, 2015. Collection method: clinical testing. Allele origin: germline.
Comment: The SETX c.3650C>T variant is predicted to result in the amino acid substitution p.Thr1217Met. To our knowledge, this variant has not been reported in the literature. This variant is reported in 0.040% of alleles in individuals of African descent in gnomAD. At this time, the clinical significance of this variant is uncertain due to the absence of conclusive functional and genetic evidence.

Labcorp Genetics (formerly Invitae), Labcorp
Classification: Benign for Amyotrophic lateral sclerosis type 4; Spinocerebellar ataxia, autosomal recessive, with axonal neuropathy 2. Last evaluated: 2023-04-04. Review status: criteria provided, single submitter. Criteria: Invitae Variant Classification Sherloc (09022015). Collection method: clinical testing. Allele origin: germline.